The following is an entry in ClinVar:

NM_004329.3(BMPR1A):c.420del (p.Val141fs)

Gene: BMPR1A (bone morphogenetic protein receptor type 1A; plus strand). Cytogenetic location: 10q23.2.
Variant type: Deletion.
Coding change: c.420del on transcript NM_004329.3 (MANE Select); coding-DNA position 420, one base deleted (T; older notation c.420delT).
Protein change: p.Val141fs; shifts the reading frame from valine 141.
Molecular consequence: frameshift variant.
Genome position (GRCh38, 1-based): chr10:86,899,880, T deleted. VCF-style (leftmost placement, unchanged base first): chr10-86899879-CT-C. GRCh37 (hg19) VCF-style: chr10-88659636-CT-C.
Other names: c.420delT (NM_004329.2); short protein forms V141fs.
Identifiers: ClinVar variation 184822 (VCV000184822.3), dbSNP rs786201715, ClinGen allele CA190154.

ClinVar aggregate classification (germline): Pathogenic (1 of 4 stars; one submission).

Conditions:
Hereditary cancer-predisposing syndrome. Also called: Hereditary neoplastic syndrome; Neoplastic Syndromes, Hereditary; Tumor predisposition; Hereditary Cancer Syndrome. Identifiers: Orphanet 140162, MedGen C0027672, MeSH D009386, MONDO:0015356.

Submission:

Ambry Genetics
Classification: Pathogenic for Hereditary cancer-predisposing syndrome. Last evaluated: 2014-04-18. Review status: criteria provided, single submitter. Criteria: Ambry Autosomal Dominant and X-Linked criteria (10/2015). Collection method: clinical testing. Allele origin: germline. Observed: 1 variant allele.
Comment: The c.420delT pathogenic mutation, located in coding exon 4 of the BMPR1A gene, results from a deletion of one nucleotide at position 420, causing a translational frameshift with a predicted alternate stop codon. Since frameshifts are typically deleterious in nature, this alteration is interpreted as a disease-causing mutation (ACMG Recommendations for Standards for Interpretation and Reporting of Sequence Variations. Revision 2007. Genet Med. 2008;10:294).